The following is an entry in ClinVar:

NM_001382391.1(CSPP1):c.2335C>T (p.Arg779Ter)

Gene: CSPP1 (centrosome and spindle pole associated protein 1; plus strand). Cytogenetic location: 8q13.2.
Variant type: single nucleotide variant.
Coding change: c.2335C>T on transcript NM_001382391.1 (MANE Select); coding-DNA position 2335, C replaced by T.
Protein change: p.Arg779Ter; replaces arginine 779 with a stop codon.
Molecular consequence: nonsense.
Genome position (GRCh38, 1-based): chr8:67,158,540, C>T. VCF-style: chr8-67158540-C-T. GRCh37 (hg19) VCF-style: chr8-68070775-C-T.
Other names: c.1285C>T, p.Arg429Ter (NM_001291339.2); c.2254C>T, p.Arg752Ter (NM_001363131.2); c.2140C>T, p.Arg714Ter (NM_001363132.2); c.2059C>T, p.Arg687Ter (NM_001363133.2); c.2401C>T, p.Arg801Ter (NM_001364869.1); c.2221C>T, p.Arg741Ter (NM_001364870.1); c.2320C>T, p.Arg774Ter (NM_024790.7); short protein forms R774*, R801*, R429*, R714*, R752*, R687*, R741*, R779*.
Identifiers: ClinVar variation 100666 (VCV000100666.15), dbSNP rs587777138, ClinGen allele CA150605.

ClinVar aggregate classification (germline): Pathogenic/Likely pathogenic. Review status: criteria provided, multiple submitters, no conflicts (2 of 4 stars). 7 submissions from 7 submitters: Pathogenic (4); Likely pathogenic (1). 2 of the submissions do not count toward it. Last evaluated 2026-01-05.

Conditions:
CSPP1-related disorder. Also called: CSPP1-related condition.
Joubert syndrome 21 (JBTS21). Identifiers: MedGen C3810212, MONDO:0014288, OMIM 615636.

Allele frequency attached by ClinVar (database versions not stated): gnomAD 0.00004; gnomAD exomes 0.00004; TOPMed 0.00005.
gnomAD v4.1: 24 of 1,610,368 alleles (0.0015%); highest among the groups gnomAD compares: Admixed American, 0.02%; no homozygotes.

Submissions (7):

Labcorp Genetics (formerly Invitae), Labcorp
Classification: Pathogenic for Joubert syndrome 21. Last evaluated: 2026-01-05. Review status: criteria provided, single submitter. Criteria: Invitae Variant Classification Sherloc (09022015). Collection method: clinical testing. Allele origin: germline.
Comment: This sequence change creates a premature translational stop signal (p.Arg774*) in the CSPP1 gene. It is expected to result in an absent or disrupted protein product. Loss-of-function variants in CSPP1 are known to be pathogenic (PMID: 24360807, 24360808). This variant is present in population databases (no rsID available, gnomAD 0.03%). This premature translational stop signal has been observed in individual(s) with Joubert syndrome and Jeune asphyxiating thoracic dystrophy (JATD) (PMID: 24360808). ClinVar contains an entry for this variant (Variation ID: 100666). For these reasons, this variant has been classified as Pathogenic.

Daryl Scott Lab, Baylor College of Medicine
Classification: Pathogenic for Joubert syndrome 21. Last evaluated: 2025-08-25. Review status: criteria provided, single submitter. Criteria: ACMG Guidelines, 2015. Collection method: clinical testing. Allele origin: maternal. Affected: yes. Observed: 1 compound heterozygote.
Comment: PVS1, PM2, PM3

GeneDx
Classification: Pathogenic. Last evaluated: 2024-02-25. Review status: criteria provided, single submitter. Criteria: GeneDx Variant Classification Process June 2021. Collection method: clinical testing. Allele origin: germline. Affected: yes.
Comment: Nonsense variant predicted to result in protein truncation or nonsense mediated decay in a gene for which loss of function is a known mechanism of disease; This variant is associated with the following publications: (PMID: 24360808)

Blueprint Genetics
Classification: Likely pathogenic for CSPP1-related disorders. Last evaluated: 2022-09-14. Review status: criteria provided, single submitter. Criteria: ACMG Guidelines, 2015. Collection method: clinical testing. Allele origin: germline. Affected: yes. Observed: 5 variant alleles.

Revvity Omics, Revvity
Classification: Pathogenic for Joubert syndrome 21. Last evaluated: 2020-08-19. Review status: criteria provided, single submitter. Criteria: ACMG Guidelines, 2015. Collection method: clinical testing. Allele origin: germline.

PreventionGenetics, part of Exact Sciences
Classification: Pathogenic for CSPP1-related condition. Last evaluated: 2024-09-20. Review status: no assertion criteria provided. Collection method: clinical testing. Allele origin: germline. Not counted in ClinVar's aggregate classification.
Comment: The CSPP1 c.2320C>T variant is predicted to result in premature protein termination (p.Arg774*). This variant has been reported in the homozygous state in an individual with Joubert syndrome (Tuz et al. 2014. PubMed ID: 24360808). This variant is reported in 0.026% of alleles in individuals of Latino descent in gnomAD. Nonsense variants in CSPP1 are expected to be pathogenic. This variant is interpreted as pathogenic.

OMIM
Classification: Pathogenic for JOUBERT SYNDROME 21. Last evaluated: 2014-01-02. Review status: no assertion criteria provided. Collection method: literature only. Allele origin: germline. Not counted in ClinVar's aggregate classification.

Literature cited by the submitters: PubMed 24360807 (cited by Labcorp Genetics (formerly Invitae), Labcorp); PubMed 24360808 (cited by Labcorp Genetics (formerly Invitae), Labcorp and OMIM).